The following is an entry in ClinVar:

ClinVar aggregate classification (germline): Uncertain significance (1 of 4 stars; one submission).

Conditions:
Hereditary cancer-predisposing syndrome. Also called: Neoplastic Syndromes, Hereditary; Tumor predisposition; Hereditary Cancer Syndrome; Hereditary neoplastic syndrome. Identifiers: Orphanet 140162, MedGen C0027672, MeSH D009386, MONDO:0015356.

Submission:

Color Diagnostics, LLC DBA Color Health
Classification: Uncertain significance for Hereditary cancer-predisposing syndrome. Last evaluated: 2025-01-19. Review status: criteria provided, single submitter. Criteria: ACMG Guidelines, 2015. Collection method: clinical testing. Allele origin: germline.
Comment: This missense variant replaces lysine with arginine at codon 1109 of the ATM protein. Computational prediction suggests that this variant may not impact protein structure and function (internally defined REVEL score threshold <= 0.5, PMID: 27666373). To our knowledge, functional studies have not been reported for this variant. This variant has not been reported in individuals affected with ATM-related disorders in the literature. This variant has been identified in 1/250544 chromosomes in the general population by the Genome Aggregation Database (gnomAD). The available evidence is insufficient to determine the role of this variant in disease conclusively. Therefore, this variant is classified as a Variant of Uncertain Significance.

NM_000051.4(ATM):c.3326A>G (p.Lys1109Arg)

Gene: ATM (ATM serine/threonine kinase; plus strand). Cytogenetic location: 11q22.3.
Variant type: single nucleotide variant.
Coding change: c.3326A>G on transcript NM_000051.4 (MANE Select); coding-DNA position 3326, A replaced by G.
Protein change: p.Lys1109Arg; replaces lysine 1109 with arginine.
Molecular consequence: missense variant.
Genome position (GRCh38, 1-based): chr11:108,279,532, A>G. VCF-style: chr11-108279532-A-G. GRCh37 (hg19) VCF-style: chr11-108150259-A-G.
Other names: c.3326A>G, p.Lys1109Arg (NM_001351834.2); short protein forms K1109R.
Identifiers: ClinVar variation 3894205 (VCV003894205.1).
Genomic context (GRCh38, chr11:108,279,532, plus strand): 5'-TTTGCTTGCTTGTTTTAAGATTGTTCCAGGACACGAAGGGAGATTCTTCCAGGTTACTGA[A>G]AGCACTTCCTTTGAAGCTTCAGCAAACAGCTTTTGAAAATGCATACTTGAAAGCTCAGGA-3'
Protein context (NP_000042.3, residues 1099-1119): DTKGDSSRLL[Lys1109Arg]ALPLKLQQTA